The following is an entry in ClinVar:

NM_014055.4(IFT81):c.1243C>T (p.His415Tyr)

Gene: IFT81 (intraflagellar transport 81; plus strand). Cytogenetic location: 12q24.11.
Variant type: single nucleotide variant.
Coding change: c.1243C>T on transcript NM_014055.4 (MANE Select); coding-DNA position 1243, C replaced by T.
Protein change: p.His415Tyr; replaces histidine 415 with tyrosine.
Molecular consequence: missense variant. On other transcripts: non-coding transcript variant (4).
Genome position (GRCh38, 1-based): chr12:110,180,476, C>T. VCF-style: chr12-110180476-C-T. GRCh37 (hg19) VCF-style: chr12-110618281-C-T.
Other names: c.1243C>T, p.His415Tyr (NM_001143779.2); c.313C>T, p.His105Tyr (NM_001347947.2, NM_001347948.2); short protein forms H105Y, H415Y.
Identifiers: ClinVar variation 1981249 (VCV001981249.3), dbSNP rs141635068, ClinGen allele CA6783316.

ClinVar aggregate classification (germline): Uncertain significance (1 of 4 stars; one submission).

Allele frequency attached by ClinVar (database versions not stated): gnomAD exomes 0.00001; gnomAD 0.00003; ExAC 0.00005; TOPMed 0.00005; 1000 Genomes Project 0.00020; 1000 Genomes Project 30x 0.00062.

Submission:

Labcorp Genetics (formerly Invitae), Labcorp
Classification: Uncertain significance. Last evaluated: 2024-10-16. Review status: criteria provided, single submitter. Criteria: Invitae Variant Classification Sherloc (09022015). Collection method: clinical testing. Allele origin: germline.
Comment: This sequence change replaces histidine, which is basic and polar, with tyrosine, which is neutral and polar, at codon 415 of the IFT81 protein (p.His415Tyr). This variant is present in population databases (rs141635068, gnomAD 0.006%). This variant has not been reported in the literature in individuals affected with IFT81-related conditions. ClinVar contains an entry for this variant (Variation ID: 1981249). Invitae Evidence Modeling of protein sequence and biophysical properties (such as structural, functional, and spatial information, amino acid conservation, physicochemical variation, residue mobility, and thermodynamic stability) indicates that this missense variant is not expected to disrupt IFT81 protein function with a negative predictive value of 80%. In summary, the available evidence is currently insufficient to determine the role of this variant in disease. Therefore, it has been classified as a Variant of Uncertain Significance.